The following is an entry in ClinVar:

ClinVar aggregate classification (germline): Uncertain significance (1 of 4 stars; one submission).

Conditions:
Spastic paraplegia. Identifiers: MedGen C0037772, HP:0001258.

Allele frequency attached by ClinVar (database versions not stated): TOPMed below 0.00001.
gnomAD v4.1: 8 of 1,614,080 alleles (0.0005%); highest among the groups gnomAD compares: Non-Finnish European, 0.00068%; no homozygotes.

Submission:

Labcorp Genetics (formerly Invitae), Labcorp
Classification: Uncertain significance for Spastic paraplegia. Last evaluated: 2024-03-07. Review status: criteria provided, single submitter. Criteria: Invitae Variant Classification Sherloc (09022015). Collection method: clinical testing. Allele origin: germline.
Comment: This sequence change replaces alanine, which is neutral and non-polar, with threonine, which is neutral and polar, at codon 420 of the CYP2U1 protein (p.Ala420Thr). This variant is present in population databases (rs778851531, gnomAD 0.003%). This variant has not been reported in the literature in individuals affected with CYP2U1-related conditions. ClinVar contains an entry for this variant (Variation ID: 1400571). Advanced modeling of protein sequence and biophysical properties (such as structural, functional, and spatial information, amino acid conservation, physicochemical variation, residue mobility, and thermodynamic stability) performed at Invitae indicates that this missense variant is not expected to disrupt CYP2U1 protein function with a negative predictive value of 95%. In summary, the available evidence is currently insufficient to determine the role of this variant in disease. Therefore, it has been classified as a Variant of Uncertain Significance.

NM_183075.3(CYP2U1):c.1258G>A (p.Ala420Thr)

Gene: CYP2U1 (cytochrome P450 family 2 subfamily U member 1; plus strand). Cytogenetic location: 4q25.
Variant type: single nucleotide variant.
Coding change: c.1258G>A on transcript NM_183075.3 (MANE Select); coding-DNA position 1258, G replaced by A.
Protein change: p.Ala420Thr; replaces alanine 420 with threonine.
Molecular consequence: missense variant.
Genome position (GRCh38, 1-based): chr4:107,947,507, G>A. VCF-style: chr4-107947507-G-A. GRCh37 (hg19) VCF-style: chr4-108868663-G-A.
Other names: short protein forms A420T.
Identifiers: ClinVar variation 1400571 (VCV001400571.6), dbSNP rs778851531, ClinGen allele CA3037156.